The following is an entry in ClinVar:

ClinVar aggregate classification (germline): Likely benign. Review status: criteria provided, single submitter (1 of 4 stars). 2 submissions from 2 submitters: Likely benign (1). 1 of the submissions does not count toward it. Last evaluated 2025-07-31.

Conditions:
RECQL4-related disorder. Also called: RECQL4-related condition; RECQL4-related disorders.
Baller-Gerold syndrome (BGS). Also called: CRANIOSYNOSTOSIS WITH RADIAL DEFECTS. Identifiers: Orphanet 1225, MedGen C0265308, MONDO:0009039, OMIM 218600.

Allele frequency attached by ClinVar (database versions not stated): ExAC 0.00003; TOPMed 0.00004; ESP Exome Variant Server 0.00008; gnomAD 0.00011; 1000 Genomes Project 30x 0.00016; 1000 Genomes Project 0.00020.
gnomAD v4.1: 45 of 1,612,330 alleles (0.0028%); highest among the groups gnomAD compares: African/African-American, 0.039%; no homozygotes.

Submissions (2):

Labcorp Genetics (formerly Invitae), Labcorp
Classification: Likely benign for Baller-Gerold syndrome. Last evaluated: 2025-07-31. Review status: criteria provided, single submitter. Criteria: Invitae Variant Classification Sherloc (09022015). Collection method: clinical testing. Allele origin: germline.

PreventionGenetics, part of Exact Sciences
Classification: Likely benign for RECQL4-related condition. Last evaluated: 2019-04-09. Review status: no assertion criteria provided. Collection method: clinical testing. Allele origin: germline. Not counted in ClinVar's aggregate classification.
Comment: This variant is classified as likely benign based on ACMG/AMP sequence variant interpretation guidelines (Richards et al. 2015 PMID: 25741868, with internal and published modifications).

NM_004260.4(RECQL4):c.3162C>T (p.Phe1054=)

Gene: RECQL4 (RecQ like helicase 4; minus strand). Cytogenetic location: 8q24.3.
Variant type: single nucleotide variant.
Coding change: c.3162C>T on transcript NM_004260.4 (MANE Select); coding-DNA position 3162, C replaced by T.
Protein change: p.Phe1054=; no amino-acid change (phenylalanine 1054 retained).
Molecular consequence: synonymous variant.
Genome position (GRCh38, 1-based): chr8:144,512,218, G>A on the plus strand (C>T on the coding strand, the complement: RECQL4 is on the minus strand). VCF-style: chr8-144512218-G-A. GRCh37 (hg19) VCF-style: chr8-145737601-G-A.
Identifiers: ClinVar variation 239758 (VCV000239758.12), dbSNP rs373372297, ClinGen allele CA4947904.